The following is an entry in ClinVar:

NM_001374736.1(DST):c.20719G>C (p.Gly6907Arg)

Gene: DST (dystonin; minus strand). Cytogenetic location: 6p12.1.
Variant type: single nucleotide variant.
Coding change: c.20719G>C on transcript NM_001374736.1 (MANE Select); coding-DNA position 20719, G replaced by C.
Protein change: p.Gly6907Arg; replaces glycine 6907 with arginine.
Molecular consequence: missense variant.
Genome position (GRCh38, 1-based): chr6:56,492,265, C>G on the plus strand (G>C on the coding strand, the complement: DST is on the minus strand). VCF-style: chr6-56492265-C-G. GRCh37 (hg19) VCF-style: chr6-56357063-C-G.
Other names: c.14362G>C, p.Gly4788Arg (NM_001144769.5); c.13948G>C, p.Gly4650Arg (NM_001144770.2); c.20719G>C, p.Gly6907Arg (NM_001374722.1); c.19759G>C, p.Gly6587Arg (NM_001374729.1); c.13501G>C, p.Gly4501Arg (NM_001374730.1); c.20746G>C, p.Gly6916Arg (NM_001374734.1); c.13828G>C, p.Gly4610Arg (NM_001386100.1, NM_183380.4); c.12850G>C, p.Gly4284Arg (NM_015548.5); short protein forms G4501R, G4610R, G4284R, G4650R, G4788R, G6907R, G6587R, G6916R.
Identifiers: ClinVar variation 2005757 (VCV002005757.4), dbSNP rs2533935916, ClinGen allele CA364515223.
Genomic context (GRCh38, chr6:56,492,265, plus strand): 5'-AATTTTTCTAAAGGGTTATTACCTGCTTGGCTCTCTTCCTTGCATCATCCAAAGATCTTC[C>G]TCTCTCTACCAACCGTTGAACCACTTTTTCCCATCGACTTTGTACACTGATAAGTAGATT-3'
Protein context (NP_001361665.1, residues 6897-6917): EKVVQRLVER[Gly6907Arg]RSLDDARKRA

ClinVar aggregate classification (germline): Uncertain significance (1 of 4 stars; one submission).

Conditions:
Hereditary sensory and autonomic neuropathy type 6. Also called: HSAN VI; Neuropathy, hereditary sensory and autonomic, type VI. Identifiers: Orphanet 314381, MedGen C3539003, MONDO:0013839, OMIM 614653.
Epidermolysis bullosa simplex 3, localized or generalized intermediate, with BP230 deficiency (EBS3). Also called: Epidermolysis bullosa simplex due to BP230 deficiency; Epidermolysis bullosa simplex, autosomal recessive 2. Identifiers: Orphanet 412181, MedGen C3809470, MONDO:0014180, OMIM 615425.

Submission:

Labcorp Genetics (formerly Invitae), Labcorp
Classification: Uncertain significance for Epidermolysis bullosa simplex 3, localized or generalized intermediate, with BP230 deficiency; Hereditary sensory and autonomic neuropathy type 6. Last evaluated: 2022-06-13. Review status: criteria provided, single submitter. Criteria: Invitae Variant Classification Sherloc (09022015). Collection method: clinical testing. Allele origin: germline.
Comment: In summary, the available evidence is currently insufficient to determine the role of this variant in disease. Therefore, it has been classified as a Variant of Uncertain Significance. Experimental studies and prediction algorithms are not available or were not evaluated, and the functional significance of this variant is currently unknown. This variant has not been reported in the literature in individuals affected with DST-related conditions. This variant is not present in population databases (gnomAD no frequency). This sequence change replaces glycine, which is neutral and non-polar, with arginine, which is basic and polar, at codon 4284 of the DST protein (p.Gly4284Arg). The DST gene has multiple clinically relevant transcripts. This variant occurs in alternate transcript NM_015548.4, and corresponds to NM_001723.5:c.*123252G>C in the primary transcript.